The following is an entry in ClinVar:

NM_007118.4(TRIO):c.7348C>T (p.Arg2450Trp)

Gene: TRIO (trio Rho guanine nucleotide exchange factor; plus strand). Cytogenetic location: 5p15.2.
Variant type: single nucleotide variant.
Coding change: c.7348C>T on transcript NM_007118.4 (MANE Select); coding-DNA position 7348, C replaced by T.
Protein change: p.Arg2450Trp; replaces arginine 2450 with tryptophan.
Molecular consequence: missense variant.
Genome position (GRCh38, 1-based): chr5:14,487,976, C>T. VCF-style: chr5-14487976-C-T. GRCh37 (hg19) VCF-style: chr5-14488085-C-T.
Other names: c.7348C>T (NM_007118.3); short protein forms R2450W.
Identifiers: ClinVar variation 2409213 (VCV002409213.4), dbSNP rs767558234, ClinGen allele CA3207376.

ClinVar aggregate classification (germline): Likely benign. Review status: criteria provided, multiple submitters, no conflicts (2 of 4 stars). 3 submissions from 3 submitters: Likely benign (2). 1 of the submissions does not count toward it. Last evaluated 2026-08-01.

Conditions:
TRIO-related disorder. Also called: TRIO-related disorders; TRIO-related condition.
Inborn genetic diseases. Identifiers: MedGen C0950123, MeSH D030342.

Allele frequency attached by ClinVar (database versions not stated): gnomAD 0.00011; TOPMed 0.00012; 1000 Genomes Project 30x 0.00047; ExAC 0.00049.
gnomAD v4.1: 305 of 1,554,104 alleles (0.02%); highest among the groups gnomAD compares: Non-Finnish European, 0.022%; no homozygotes.

Submissions (3):

CeGaT Center for Human Genetics Tuebingen
Classification: Likely benign. Last evaluated: 2026-08-01. Review status: criteria provided, single submitter. Criteria: CeGaT Center For Human Genetics Tuebingen Variant Classification Criteria Version 2. Collection method: clinical testing. Allele origin: germline. Affected: yes. Observed: 1 variant allele.
Comment: TRIO: BS2

Ambry Genetics
Classification: Likely benign for Inborn genetic diseases. Last evaluated: 2022-06-24. Review status: criteria provided, single submitter. Criteria: Ambry Variant Classification Scheme 2023. Collection method: clinical testing. Allele origin: germline.

PreventionGenetics, part of Exact Sciences
Classification: Likely benign for TRIO-related condition. Last evaluated: 2024-06-28. Review status: no assertion criteria provided. Collection method: clinical testing. Allele origin: germline. Not counted in ClinVar's aggregate classification.
Comment: This variant is classified as likely benign based on ACMG/AMP sequence variant interpretation guidelines (Richards et al. 2015 PMID: 25741868, with internal and published modifications).